The following is an entry in ClinVar:

NM_000372.5(TYR):c.1448T>C (p.Met483Thr)

Gene: TYR (tyrosinase; plus strand). Cytogenetic location: 11q14.3.
Variant type: single nucleotide variant.
Coding change: c.1448T>C on transcript NM_000372.5 (MANE Select); coding-DNA position 1448, T replaced by C.
Protein change: p.Met483Thr; replaces methionine 483 with threonine.
Molecular consequence: missense variant.
Genome position (GRCh38, 1-based): chr11:89,295,224, T>C. VCF-style: chr11-89295224-T-C. GRCh37 (hg19) VCF-style: chr11-89028392-T-C.
Other names: short protein forms M483T.
Identifiers: ClinVar variation 3906021 (VCV003906021.10).

ClinVar aggregate classification (germline): Uncertain significance (1 of 4 stars; one submission).

gnomAD v4.1: 1 of 1,613,938 alleles (0.000062%); highest among the groups gnomAD compares: Non-Finnish European, 0.000085%; no homozygotes.

Submission:

CeGaT Center for Human Genetics Tuebingen
Classification: Uncertain significance. Last evaluated: 2025-05-01. Review status: criteria provided, single submitter. Criteria: CeGaT Center For Human Genetics Tuebingen Variant Classification Criteria Version 2. Collection method: clinical testing. Allele origin: germline. Affected: yes. Observed: 1 variant allele.
Comment: TYR: PM2